The following is an entry in ClinVar:

NM_001044385.3(TMEM237):c.136+1G>T

Gene: TMEM237 (transmembrane protein 237; minus strand). Cytogenetic location: 2q33.1.
Variant type: single nucleotide variant.
Coding change: c.136+1G>T on transcript NM_001044385.3 (MANE Select); the canonical splice donor site of the intron after coding-DNA position 136, G replaced by T.
Molecular consequence: splice donor variant.
Genome position (GRCh38, 1-based): chr2:201,638,988, C>A on the plus strand (G>T on the coding strand, the complement: TMEM237 is on the minus strand). VCF-style: chr2-201638988-C-A. GRCh37 (hg19) VCF-style: chr2-202503711-C-A.
Other names: c.112+1G>T (NM_152388.4).
Identifiers: ClinVar variation 934111 (VCV000934111.9), dbSNP rs778823927, ClinGen allele CA2056574.

ClinVar aggregate classification (germline): Likely pathogenic. Review status: criteria provided, multiple submitters, no conflicts (2 of 4 stars). 2 submissions from 2 submitters: Likely pathogenic (2). Last evaluated 2023-04-19.

Conditions:
TMEM237-related disorder. Also called: TMEM237-related condition.
Joubert syndrome 14 (JBTS14). Identifiers: MedGen C3280766, MONDO:0013745, OMIM 614424.

Allele frequency attached by ClinVar (database versions not stated): gnomAD exomes below 0.00001 and 0.00001; TOPMed below 0.00001; ExAC 0.00003.

Submissions (2):

PreventionGenetics, part of Exact Sciences
Classification: Likely pathogenic for TMEM237-related condition. Last evaluated: 2023-04-19. Review status: criteria provided, single submitter. Criteria: ACMG Guidelines, 2015. Collection method: clinical testing. Allele origin: germline.
Comment: The TMEM237 c.136+1G>T variant is predicted to disrupt the GT donor site and interfere with normal splicing. To our knowledge, this variant has not been reported in the literature. This variant is reported in 0.0040% of alleles (1 of 25,004) in individuals of South Asian descent in gnomAD. Variants that disrupt the consensus splice donor site in TMEM237 are expected to be pathogenic. This variant is interpreted as likely pathogenic.

Labcorp Genetics (formerly Invitae), Labcorp
Classification: Likely pathogenic for Joubert syndrome 14. Last evaluated: 2019-08-26. Review status: criteria provided, single submitter. Criteria: Invitae Variant Classification Sherloc (09022015). Collection method: clinical testing. Allele origin: germline.
Comment: This sequence change affects a donor splice site in intron 4 of the TMEM237 gene. It is expected to disrupt RNA splicing and likely results in an absent or disrupted protein product. This variant is present in population databases (rs778823927, ExAC 0.01%). This variant has not been reported in the literature in individuals with TMEM237-related conditions. Algorithms developed to predict the effect of sequence changes on RNA splicing suggest that this variant may disrupt the consensus splice site, but this prediction has not been confirmed by published transcriptional studies. Donor and acceptor splice site variants typically lead to a loss of protein function (PMID: 16199547), and loss-of-function variants in TMEM237 are known to be pathogenic (PMID: 22152675). In summary, the currently available evidence indicates that the variant is pathogenic, but additional data are needed to prove that conclusively. Therefore, this variant has been classified as Likely Pathogenic.

Literature cited by the submitters: PubMed 16199547 (cited by Labcorp Genetics (formerly Invitae), Labcorp); PubMed 22152675 (cited by Labcorp Genetics (formerly Invitae), Labcorp).